The following is an entry in ClinVar:

ClinVar aggregate classification (germline): Uncertain significance. Review status: criteria provided, multiple submitters, no conflicts (2 of 4 stars). 4 submissions from 4 submitters: Uncertain significance (4). Last evaluated 2025-09-17.

Conditions:
TTN-related disorder. Also called: TTN-related condition; TTN-related disease; TTN-related disorders.
Early-onset myopathy with fatal cardiomyopathy (CMYO5). Also called: Salih Myopathy; CONGENITAL MYOPATHY 5 WITH CARDIOMYOPATHY. Identifiers: Orphanet 289377, MedGen C2673677, MONDO:0012714, OMIM 611705. Disease mechanism: loss of function.
Tibial muscular dystrophy (TMD). Also called: Tibial muscular dystrophy, tardive; UDD MYOPATHY; Udd Distal Myopathy – Tibial Muscular Dystrophy. Identifiers: Orphanet 609, MedGen C1838244, MONDO:0010870, OMIM 600334.
Dilated cardiomyopathy 1G (CMD1G). Identifiers: Orphanet 154, MedGen C1858763, MONDO:0011400, OMIM 604145.
Autosomal recessive limb-girdle muscular dystrophy type 2J (LGMDR10). Also called: Limb-girdle muscular dystrophy, type 2J; MUSCULAR DYSTROPHY, LIMB-GIRDLE, AUTOSOMAL RECESSIVE 10. Identifiers: Orphanet 140922, MedGen C1837342, MONDO:0012127, OMIM 608807.
Hypertrophic cardiomyopathy 9. Also called: Familial hypertrophic cardiomyopathy 9. Identifiers: MedGen C1861065, MONDO:0013412, OMIM 613765.
Myopathy, myofibrillar, 9, with early respiratory failure (MFM9). Also called: EDSTROM MYOPATHY; Myopathy, distal, with early respiratory failure, autosomal dominant; Hereditary myopathy with early respiratory failure; MYOPATHY, PROXIMAL, WITH EARLY RESPIRATORY MUSCLE INVOLVEMENT. Identifiers: Orphanet 178464, Orphanet 34521, MedGen C1863599, MONDO:0011362, OMIM 603689.

Allele frequency attached by ClinVar (database versions not stated): TOPMed 0.00006; gnomAD 0.00008 and 0.00009; 1000 Genomes Project 30x 0.00016; 1000 Genomes Project 0.00020.
gnomAD v4.1: 59 of 1,613,936 alleles (0.0037%); highest among the groups gnomAD compares: East Asian, 0.022%; no homozygotes.

Submissions (4):

PreventionGenetics, part of Exact Sciences
Classification: Uncertain significance for TTN-related condition. Last evaluated: 2025-09-17. Review status: criteria provided, single submitter. Criteria: ACMG Guidelines, 2015. Collection method: clinical testing. Allele origin: germline.
Comment: The TTN c.105037C>T variant is predicted to result in the amino acid substitution p.Arg35013Cys. This variant has been reported in an individual with marked upper limb rimmed vacuolar myopathy (Evilä et al. 2016. PubMed ID: 26627873). This variant is reported in 0.041% of alleles in individuals of East Asian descent in gnomAD and is interpreted as uncertain in ClinVar (Variation ID: 499402). At this time, the clinical significance of this variant is uncertain due to the absence of conclusive functional and genetic evidence.

Fulgent Genetics
Classification: Uncertain significance for Tibial muscular dystrophy; Myopathy, myofibrillar, 9, with early respiratory failure; Dilated cardiomyopathy 1G; Autosomal recessive limb-girdle muscular dystrophy type 2J; Early-onset myopathy with fatal cardiomyopathy; Hypertrophic cardiomyopathy 9. Last evaluated: 2021-10-21. Review status: criteria provided, single submitter. Criteria: ACMG Guidelines, 2015. Collection method: clinical testing. Allele origin: unknown.

Revvity Omics, Revvity
Classification: Uncertain significance. Last evaluated: 2019-03-18. Review status: criteria provided, single submitter. Criteria: ACMG Guidelines, 2015. Collection method: clinical testing. Allele origin: germline.

Eurofins Ntd Llc (ga)
Classification: Uncertain significance. Last evaluated: 2017-01-16. Review status: criteria provided, single submitter. Criteria: EGL Classification Definitions 2015. Collection method: clinical testing. Allele origin: germline. Observed: 1 variant allele, 1 heterozygote.

NM_001267550.2(TTN):c.105037C>T (p.Arg35013Cys)

Genes: TTN (titin; minus strand), TTN-AS1 (TTN antisense RNA 1; plus strand). Cytogenetic location: 2q31.2.
Variant type: single nucleotide variant.
Coding change: c.105037C>T on transcript NM_001267550.2 (MANE Select); coding-DNA position 105037, C replaced by T.
Protein change: p.Arg35013Cys; replaces arginine 35013 with cysteine.
Molecular consequence: missense variant.
Genome position (GRCh38, 1-based): chr2:178,531,578, G>A on the plus strand (C>T on the coding strand, the complement: TTN is on the minus strand). VCF-style: chr2-178531578-G-A. GRCh37 (hg19) VCF-style: chr2-179396305-G-A.
Other names: c.100114C>T, p.Arg33372Cys (NM_001256850.1); c.77842C>T, p.Arg25948Cys (NM_003319.4); c.97333C>T, p.Arg32445Cys (NM_133378.4); c.78217C>T, p.Arg26073Cys (NM_133432.3); c.78418C>T, p.Arg26140Cys (NM_133437.4); short protein forms R32445C, R35013C, R26140C, R25948C, R26073C, R33372C.
Identifiers: ClinVar variation 499402 (VCV000499402.10), dbSNP rs568460311, ClinGen allele CA1985322.